The following is an entry in ClinVar:

NM_001375765.1(GIGYF1):c.2901C>T (p.Ala967=)

Gene: GIGYF1 (GRB10 interacting GYF protein 1; minus strand). Cytogenetic location: 7q22.1.
Variant type: single nucleotide variant.
Coding change: c.2901C>T on transcript NM_001375765.1 (MANE Select); coding-DNA position 2901, C replaced by T.
Protein change: p.Ala967=; no amino-acid change (alanine 967 retained).
Molecular consequence: synonymous variant. On other transcripts: non-coding transcript variant (1).
Genome position (GRCh38, 1-based): chr7:100,682,096, G>A on the plus strand (C>T on the coding strand, the complement: GIGYF1 is on the minus strand). VCF-style: chr7-100682096-G-A. GRCh37 (hg19) VCF-style: chr7-100279719-G-A.
Other names: NM_022574.4:c.2901C>T; c.2901C>T, p.Ala967= (NM_001375762.1, NM_001375763.1, NM_001375764.1 and 5 more transcripts); c.2898C>T, p.Ala966= (NM_001375768.1).
Identifiers: ClinVar variation 4872900 (VCV004872900.3).

ClinVar aggregate classification (germline): Likely benign. Review status: criteria provided, multiple submitters, no conflicts (2 of 4 stars). 2 submissions from 2 submitters: Likely benign (2). Last evaluated 2026-05-01.

Conditions:
GIGYF1-related disorder. Also called: GIGYF1-related condition.

gnomAD v4.1: 249 of 1,613,548 alleles (0.015%); highest among the groups gnomAD compares: African/African-American, 0.3%; no homozygotes.

Submissions (2):

CeGaT Center for Human Genetics Tuebingen
Classification: Likely benign. Last evaluated: 2026-05-01. Review status: criteria provided, single submitter. Criteria: CeGaT Center For Human Genetics Tuebingen Variant Classification Criteria Version 2. Collection method: clinical testing. Allele origin: germline. Affected: yes. Observed: 1 variant allele.
Comment: GIGYF1: BP4, BS1

PreventionGenetics, part of Exact Sciences
Classification: Likely benign for GIGYF1-related condition. Last evaluated: 2025-07-02. Review status: criteria provided, single submitter. Criteria: ACMG Guidelines, 2015. Collection method: clinical testing. Allele origin: germline.
Comment: This variant is classified as likely benign based on ACMG/AMP sequence variant interpretation guidelines (Richards et al. 2015 PMID: 25741868, with internal and published modifications).